The following is an entry in ClinVar:

ClinVar aggregate classification (germline): Pathogenic (1 of 4 stars; one submission).

Conditions:
Treacher Collins syndrome 1 (TCS1). Also called: TCOF1-Related Treacher Collins Syndrome. Identifiers: Orphanet 861, MedGen CN315775, MONDO:0007944, OMIM 154500.

Submission:

Labcorp Genetics (formerly Invitae), Labcorp
Classification: Pathogenic for Treacher Collins syndrome 1. Last evaluated: 2021-12-09. Review status: criteria provided, single submitter. Criteria: Invitae Variant Classification Sherloc (09022015). Collection method: clinical testing. Allele origin: germline.
Comment: For these reasons, this variant has been classified as Pathogenic. This premature translational stop signal has been observed in individual(s) with Treacher-Collins syndrome (PMID: 20003452). This variant is not present in population databases (gnomAD no frequency). This sequence change creates a premature translational stop signal (p.Gln1285Lysfs*22) in the TCOF1 gene. It is expected to result in an absent or disrupted protein product. Loss-of-function variants in TCOF1 are known to be pathogenic (PMID: 8894686, 22317976).

Literature cited by the submitters: PubMed 20003452; PubMed 8894686; PubMed 22317976.

NM_001371623.1(TCOF1):c.3856del (p.Gln1286fs)

Gene: TCOF1 (treacle ribosome biogenesis factor 1; plus strand). Cytogenetic location: 5q32.
Variant type: Deletion.
Coding change: c.3856del on transcript NM_001371623.1 (MANE Select); coding-DNA position 3856, one base deleted (C; older notation c.3856delC).
Protein change: p.Gln1286fs; shifts the reading frame from glutamine 1286.
Molecular consequence: frameshift variant.
Genome position (GRCh38, 1-based): chr5:150,396,353, C deleted; the last of 5 consecutive C bases (chr5:150,396,349-150,396,353); deleting any one gives the same sequence. VCF-style (leftmost placement, unchanged base first): chr5-150396348-AC-A. GRCh37 (hg19) VCF-style: chr5-149775911-AC-A.
Other names: c.3622del, p.Gln1208fs (NM_000356.4); c.3853del, p.Gln1285fs (NM_001135243.2); c.3742del, p.Gln1248fs (NM_001135244.2); c.3625del, p.Gln1209fs (NM_001135245.2); c.3739del, p.Gln1247fs (NM_001195141.2); short protein forms Q1286fs, Q1208fs, Q1247fs, Q1209fs, Q1248fs, Q1285fs.
Identifiers: ClinVar variation 2136349 (VCV002136349.4), dbSNP rs2534523712, ClinGen allele CA2580073891.